The following is an entry in ClinVar:

ClinVar aggregate classification (germline): Conflicting classifications of pathogenicity. Review status: criteria provided, conflicting classifications (1 of 4 stars). 7 submissions from 7 submitters: Uncertain significance (1); Likely benign (6). Last evaluated 2026-09-23.

Conditions:
TSC2-related disorder. Also called: TSC2-Related Disorders; TSC2-related condition.
Hereditary cancer-predisposing syndrome. Also called: Tumor predisposition; Hereditary neoplastic syndrome; Neoplastic Syndromes, Hereditary; Hereditary Cancer Syndrome. Identifiers: Orphanet 140162, MedGen C0027672, MeSH D009386, MONDO:0015356.
Tuberous sclerosis syndrome (TSC). Also called: Tuberous Sclerosis Complex; Tuberous sclerosis. Identifiers: Orphanet 805, MedGen C0041341, MONDO:0001734.
Tuberous sclerosis 2 (TSC2). Identifiers: Orphanet 805, MedGen C1860707, MONDO:0013199, OMIM 613254.

Allele frequency attached by ClinVar (database versions not stated): gnomAD exomes 0.00001; ExAC 0.00002; gnomAD 0.00003 and 0.00004; TOPMed 0.00003.
gnomAD v4.1: 9 of 1,610,722 alleles (0.00056%); highest among the groups gnomAD compares: African/African-American, 0.012%; no homozygotes.

Submissions (7):

PreventionGenetics, part of Exact Sciences
Classification: Likely benign for TSC2-related condition. Last evaluated: 2026-09-23. Review status: criteria provided, single submitter. Criteria: ACMG Guidelines, 2015. Collection method: clinical testing. Allele origin: germline.
Comment: This variant is classified as likely benign based on ACMG/AMP sequence variant interpretation guidelines (Richards et al. 2015 PMID: 25741868, with internal and published modifications).

Labcorp Genetics (formerly Invitae), Labcorp
Classification: Likely benign for Tuberous sclerosis 2. Last evaluated: 2026-01-26. Review status: criteria provided, single submitter. Criteria: Invitae Variant Classification Sherloc (09022015). Collection method: clinical testing. Allele origin: germline.

Color Diagnostics, LLC DBA Color Health
Classification: Likely benign for Tuberous sclerosis syndrome. Last evaluated: 2025-07-14. Review status: criteria provided, single submitter. Criteria: ACMG Guidelines, 2015. Collection method: clinical testing. Allele origin: germline.

Myriad Genetics, Inc.
Classification: Likely benign for Tuberous sclerosis 2. Last evaluated: 2024-08-23. Review status: criteria provided, single submitter. Criteria: Myriad Autosomal Dominant, Autosomal Recessive and X-Linked Classification Criteria (2023). Collection method: clinical testing. Allele origin: unknown.
Comment: This variant is considered likely benign. This variant has been observed at a population frequency that is significantly greater than expected given the associated disease prevalence and penetrance.

All of Us Research Program, National Institutes of Health
Classification: Uncertain significance for Tuberous sclerosis syndrome. Last evaluated: 2023-04-03. Review status: criteria provided, single submitter. Criteria: ACMG Guidelines, 2015. Collection method: clinical testing. Allele origin: germline. Inheritance: Autosomal dominant inheritance. Observed: 1 variant allele, 1 heterozygote.
Comment: This missense variant replaces threonine with serine at codon 1623 of the TSC2 protein. Computational prediction suggests that this variant may have deleterious impact on protein structure and function (internally defined REVEL score threshold >= 0.7, PMID: 27666373). To our knowledge, functional studies have not been reported for this variant. This variant has not been reported in individuals affected with TSC2-related disorders in the literature. This variant has been identified in 3/249406 chromosomes in the general population by the Genome Aggregation Database (gnomAD). The available evidence is insufficient to determine the role of this variant in disease conclusively. Therefore, this variant is classified as a Variant of Uncertain Significance.

This study involves interpretation of variants in research participants for the purpose of population health screening. Participant phenotype was not available at the time of variant classification. Additional details can be found in publication PMID: 35346344, PMCID: PMC8962531

Ambry Genetics
Classification: Likely benign for Hereditary cancer-predisposing syndrome. Last evaluated: 2022-09-27. Review status: criteria provided, single submitter. Criteria: Ambry Variant Classification Scheme 2023. Collection method: clinical testing. Allele origin: germline.

Genome-Nilou Lab
Classification: Likely benign for Tuberous sclerosis 2. Last evaluated: 2021-11-07. Review status: criteria provided, single submitter. Criteria: ACMG Guidelines, 2015. Collection method: clinical testing. Allele origin: germline. Affected: no.

NM_000548.5(TSC2):c.4867A>T (p.Thr1623Ser)

Gene: TSC2 (TSC complex subunit 2; plus strand). Cytogenetic location: 16p13.3.
Variant type: single nucleotide variant.
Coding change: c.4867A>T on transcript NM_000548.5 (MANE Select); coding-DNA position 4867, A replaced by T.
Protein change: p.Thr1623Ser; replaces threonine 1623 with serine.
Molecular consequence: missense variant.
Genome position (GRCh38, 1-based): chr16:2,086,749, A>T. VCF-style: chr16-2086749-A-T. GRCh37 (hg19) VCF-style: chr16-2136750-A-T.
Other names: c.4867A>T (NM_000548.4); c.4666A>T, p.Thr1556Ser (NM_001077183.3); c.4798A>T, p.Thr1600Ser (NM_001114382.3); c.4558A>T, p.Thr1520Ser (NM_001318827.2); c.4522A>T, p.Thr1508Ser (NM_001318829.2); c.4135A>T, p.Thr1379Ser (NM_001318831.2); c.4699A>T, p.Thr1567Ser (NM_001318832.2); c.4669A>T, p.Thr1557Ser (NM_001363528.2); and 2 more; short protein forms T1623S, T1520S, T1557S, T1580S, T1600S, T1379S, T1508S, T1556S.
Identifiers: ClinVar variation 468118 (VCV000468118.21), dbSNP rs749501410, ClinGen allele CA052981.
Genomic context (GRCh38, chr16:2,086,749, plus strand): 5'-CAGCACTGGCCCCACAAACCCATCCGGCCCTGCTCACCCTCAGCCGTCTTCCACATCGCC[A>T]CCCTGATGCCCACCAAGGACGTGGACAAGCACCGCTGCGACAAGAAGCGCCACCTGGGCA-3'
Protein context (NP_000539.2, residues 1613-1633): DIMQAVFHIA[Thr1623Ser]LMPTKDVDKH